The following is an entry in ClinVar:

ClinVar aggregate classification (germline): Uncertain significance. Review status: criteria provided, multiple submitters, no conflicts (2 of 4 stars). 3 submissions from 3 submitters: Uncertain significance (3). Last evaluated 2025-11-23.

Conditions:
Inborn genetic diseases. Identifiers: MedGen C0950123, MeSH D030342.
Congenital erythropoietic porphyria. Also called: Porphyria, Erythropoietic; Congenital porphyria; Günther disease; Uroporphyrinogen III synthase, deficiency of; UROPORPHYRINOGEN III SYNTHASE DEFICIENCY; GUNTHER DISEASE. Identifiers: Orphanet 79277, MedGen C5886774, MONDO:0009902, OMIM 263700.

Allele frequency attached by ClinVar (database versions not stated): gnomAD 0.00002 and 0.00001; gnomAD exomes 0.00004; ExAC 0.00007; TOPMed 0.00001.
gnomAD v4.1: 42 of 1,613,978 alleles (0.0026%); highest among the groups gnomAD compares: East Asian, 0.071%; no homozygotes.

Submissions (3):

Labcorp Genetics (formerly Invitae), Labcorp
Classification: Uncertain significance. Last evaluated: 2025-11-23. Review status: criteria provided, single submitter. Criteria: Invitae Variant Classification Sherloc (09022015). Collection method: clinical testing. Allele origin: germline.
Comment: This sequence change replaces proline, which is neutral and non-polar, with leucine, which is neutral and non-polar, at codon 18 of the UROS protein (p.Pro18Leu). This variant is present in population databases (rs766540245, gnomAD 0.06%). This variant has not been reported in the literature in individuals affected with UROS-related conditions. ClinVar contains an entry for this variant (Variation ID: 879197). Invitae Evidence Modeling of protein sequence and biophysical properties (such as structural, functional, and spatial information, amino acid conservation, physicochemical variation, residue mobility, and thermodynamic stability) has been performed for this missense variant. However, the output from this modeling did not meet the statistical confidence thresholds required to predict the impact of this variant on UROS protein function. In summary, the available evidence is currently insufficient to determine the role of this variant in disease. Therefore, it has been classified as a Variant of Uncertain Significance.

Ambry Genetics
Classification: Uncertain significance for Inborn genetic diseases. Last evaluated: 2025-02-11. Review status: criteria provided, single submitter. Criteria: Ambry Variant Classification Scheme 2023. Collection method: clinical testing. Allele origin: germline.

Illumina Laboratory Services, Illumina
Classification: Uncertain significance for Congenital erythropoietic porphyria. Last evaluated: 2018-01-12. Review status: criteria provided, single submitter. Criteria: ICSL Variant Classification Criteria 13 December 2019. Collection method: clinical testing. Allele origin: germline.

NM_000375.3(UROS):c.53C>T (p.Pro18Leu)

Gene: UROS (uroporphyrinogen III synthase; minus strand). Cytogenetic location: 10q26.2.
Variant type: single nucleotide variant.
Coding change: c.53C>T on transcript NM_000375.3 (MANE Select); coding-DNA position 53, C replaced by T.
Protein change: p.Pro18Leu; replaces proline 18 with leucine.
Molecular consequence: missense variant. On other transcripts: non-coding transcript variant (3).
Genome position (GRCh38, 1-based): chr10:125,816,447, G>A on the plus strand (C>T on the coding strand, the complement: UROS is on the minus strand). VCF-style: chr10-125816447-G-A. GRCh37 (hg19) VCF-style: chr10-127505016-G-A.
Other names: c.53C>T, p.Pro18Leu (NM_001324036.2, NM_001324037.2, NM_001324038.2 and 1 more transcripts); short protein forms P18L.
Identifiers: ClinVar variation 879197 (VCV000879197.6), dbSNP rs766540245, ClinGen allele CA5738598.
Genomic context (GRCh38, chr10:125,816,447, plus strand): 5'-TTGACTCAGTAGAAAGGACACTGTGGGATAAGGAGTCTCAGGCCACTTACCCTGATATAC[G>A]GATCCTGGCCACAGTCATCTTCCTTCGCATCCTTCAGTAAAAGAACCTTCATTATTGCCT-3'
Protein context (NP_000366.1, residues 8-28): DAKEDDCGQD[Pro18Leu]YIRELGLYGL